The following is an entry in ClinVar:

NM_017668.3(NDE1):c.238-57T>C

Gene: NDE1 (nudE neurodevelopment protein 1; plus strand). Cytogenetic location: 16p13.11.
Variant type: single nucleotide variant.
Coding change: c.238-57T>C on transcript NM_017668.3 (MANE Select); 57 bases into the intron before coding-DNA position 238, T replaced by C.
Molecular consequence: intron variant.
Genome position (GRCh38, 1-based): chr16:15,677,744, T>C. VCF-style: chr16-15677744-T-C. GRCh37 (hg19) VCF-style: chr16-15771601-T-C.
Other names: c.238-57T>C (NM_001143979.2).
Identifiers: ClinVar variation 674157 (VCV000674157.2), dbSNP rs6498567, ClinGen allele CA14241603.

ClinVar aggregate classification (germline): Benign. Review status: criteria provided, multiple submitters, no conflicts (2 of 4 stars). 2 submissions from 2 submitters: Benign (2). Last evaluated 2018-06-19.

Allele frequency attached by ClinVar (database versions not stated): gnomAD exomes 0.65458; gnomAD 0.72754 and 0.73079; TOPMed 0.73651; 1000 Genomes Project 0.75419; 1000 Genomes Project 30x 0.75765.
gnomAD v4.1: 1,059,567 of 1,599,452 alleles (66%); highest among the groups gnomAD compares: African/African-American, 90%; 354,583 homozygotes.

Submissions (2):

GeneDx
Classification: Benign. Last evaluated: 2018-06-19. Review status: criteria provided, single submitter. Criteria: GeneDx Variant Classification (06012015). Collection method: clinical testing. Allele origin: germline. Affected: yes.
Comment: This variant is considered likely benign or benign based on one or more of the following criteria: it is a conservative change, it occurs at a poorly conserved position in the protein, it is predicted to be benign by multiple in silico algorithms, and/or has population frequency not consistent with disease.

Breakthrough Genomics
Classification: Benign. Review status: criteria provided, single submitter. Criteria: ACMG Guidelines, 2015. Collection method: not provided. Allele origin: germline. Inheritance: Autosomal recessive inheritance. Affected: yes.